The following is an entry in ClinVar:

ClinVar aggregate classification (germline): Uncertain significance (1 of 4 stars; one submission).

Conditions:
Primary dilated cardiomyopathy (DCM). Also called: Dilated Cardiomyopathy. Identifiers: Orphanet 217604, MedGen C0007193, MeSH D002311, MONDO:0005021, HP:0001644. Inheritance: Various modes of inheritance.

Allele frequency attached by ClinVar (database versions not stated): gnomAD exomes below 0.00001; TOPMed below 0.00001.
gnomAD v4.1: 3 of 1,613,534 alleles (0.00019%); highest among the groups gnomAD compares: Non-Finnish European, 0.00017%; no homozygotes.

Submission:

Labcorp Genetics (formerly Invitae), Labcorp
Classification: Uncertain significance for Primary dilated cardiomyopathy. Last evaluated: 2025-12-27. Review status: criteria provided, single submitter. Criteria: Invitae Variant Classification Sherloc (09022015). Collection method: clinical testing. Allele origin: germline.
Comment: This sequence change replaces aspartic acid, which is acidic and polar, with asparagine, which is neutral and polar, at codon 51 of the NEBL protein (p.Asp51Asn). This variant is present in population databases (no rsID available, gnomAD no frequency). This variant has not been reported in the literature in individuals affected with NEBL-related conditions. ClinVar contains an entry for this variant (Variation ID: 1512921). An algorithm developed to predict the effect of missense changes on protein structure and function (PolyPhen-2) suggests that this variant is likely to be tolerated. In summary, the available evidence is currently insufficient to determine the role of this variant in disease. Therefore, it has been classified as a Variant of Uncertain Significance.

NM_006393.3(NEBL):c.151G>A (p.Asp51Asn)

Gene: NEBL (nebulette; minus strand). Cytogenetic location: 10p12.31.
Variant type: single nucleotide variant.
Coding change: c.151G>A on transcript NM_006393.3 (MANE Select); coding-DNA position 151, G replaced by A.
Protein change: p.Asp51Asn; replaces aspartic acid 51 with asparagine.
Molecular consequence: missense variant. On other transcripts: intron variant (9).
Genome position (GRCh38, 1-based): chr10:20,896,960, C>T on the plus strand (G>A on the coding strand, the complement: NEBL is on the minus strand). VCF-style: chr10-20896960-C-T. GRCh37 (hg19) VCF-style: chr10-21185889-C-T.
Other names: c.249+64712G>A (NM_001377326.1, NM_001377327.1, NM_001377328.1); c.357+64712G>A (NM_213569.2, NM_001173484.2, NM_001377322.1); c.300+64712G>A (NM_001377324.1); c.291+64712G>A (NM_001377325.1); c.309+64712G>A (NM_001377323.1); short protein forms D51N.
Identifiers: ClinVar variation 1512921 (VCV001512921.8), dbSNP rs1269179367, ClinGen allele CA376098516.